The following is an entry in ClinVar:

NM_001282597.3(CTNNA2):c.2032GAG[1] (p.Glu679del)

Gene: CTNNA2 (catenin alpha 2; plus strand). Cytogenetic location: 2p12.
Variant type: Microsatellite.
Coding change: c.2032GAG[1] on transcript NM_001282597.3 (MANE Select); one copy of the 3-base unit GAG starting at c.2032; the reference has two copies in a row; one copy, 3 bases deleted.
Protein change: p.Glu679del; deletes glutamic acid 679.
Molecular consequence: inframe deletion.
Genome position (GRCh38, 1-based): chr2:80,589,331-80,589,333, GAG deleted; deleting any 3 consecutive bases within chr2:80,589,326-80,589,333 gives the same sequence; the position shown is the placement nearest the transcript's 3' end. VCF-style (leftmost placement, unchanged base first): chr2-80589325-CAGG-C. GRCh37 (hg19) VCF-style: chr2-80816450-CAGG-C.
Other names: c.2032GAG[1], p.Glu679del (NM_001164883.2, NM_001399737.1, NM_004389.4); c.2134GAG[1], p.Glu713del (NM_001282598.2); c.1069GAG[1], p.Glu358del (NM_001282599.2); c.928GAG[1], p.Glu311del (NM_001282600.2, NM_001320810.2); short protein forms E311del, E358del, E679del, E713del.
Identifiers: ClinVar variation 2412887 (VCV002412887.4), dbSNP rs2468092228, ClinGen allele CA2580611670.
Genomic context (GRCh38, chr2:80,589,325, plus strand): 5'-TTGTCACCGTCACTCACGCTTTTTCTGTAACCCACGCAGGCCATCATGGCGCAACTACCG[CAGG>C]AGGAGAAGGCAAAAATAGCTGAGCAGGTGGAGATATTCCATCAAGAGAAAAGCAAGCTGG-3'

ClinVar aggregate classification (germline): Uncertain significance (1 of 4 stars; one submission).

Submission:

GeneDx
Classification: Uncertain significance. Last evaluated: 2023-06-15. Review status: criteria provided, single submitter. Criteria: GeneDx Variant Classification Process June 2021. Collection method: clinical testing. Allele origin: germline.
Comment: In-frame deletion of 1 amino acid in a non-repeat region; Not observed at significant frequency in large population cohorts (gnomAD); In silico analysis supports a deleterious effect on protein structure/function; Has not been previously published as pathogenic or benign to our knowledge